The following continues an entry in ClinVar:

NM_000059.4(BRCA2):c.7522G>A (p.Gly2508Ser)

Gene: BRCA2. ClinVar aggregate classification (germline): Conflicting classifications of pathogenicity. Uncertain significance (9); Benign (2); Likely benign (6).

Submissions 22 to 23 of 23:

Department of Pathology and Laboratory Medicine, Sinai Health System
Classification: Uncertain significance for Malignant tumor of breast. Review status: no assertion criteria provided. Collection method: clinical testing. Allele origin: unknown. Affected: yes. Observed: 1 variant allele. Study: The Canadian Open Genetics Repository (COGR). Not counted in ClinVar's aggregate classification.
Comment: The BRCA2, p.Gly2508Ser variant was identified in 6 of 1220 proband chromosomes (frequency: 0.005) from individuals or families with breast, ovarian and thyroid cancers. (Lim 2009, Yu 2015, Wong 2016). The variant was also identified in dbSNP (ID: rs80358978) â€šÃ„ÃºWith other allele.â€šÃ„Ã¹ This variant was identified in the Exome Aggregation Consortium (ExAC) database (March 14, 2016) in 13 of 8636 chromosomes (frequency: 0 0.0015) in the East Asian population, and was not found in populations of South Asians, European (Non-Finnish), African, Latino, European (Finnish) and other individuals, increasing the likelihood that this may be a low frequency benign variant in certain populations of origin. In the Clinvar Database the variant was identified with conflicting interpretations: as likely benign by Invitae, GeneDX and Sharing Reports Project derived from Myriad reports, as uncertain significance by Ambry Genetics and BIC,classification was not provided by ITMI. In BIC the variant was identified 4x with unknown clinical significance. In the Fanconi Anaemia Mutation Database (LOVD) the variant was identified 2x (1x as neutral by Karchin 2008 and 1x as deleterious by Pettigrew 2008). This variant was not identified in NHLBI Exome Sequencing Project (Exome Variant Server), COSMIC, GeneInsight COGR, or ARUP Laboratories Databases. The p.Gly2508 residue is conserved across mammals and lower organisms, and computational analyses (PolyPhen-2, SIFT, AlignGVGD, BLOSUM, MutationTaster) suggest that the Ser (Serine) variant may impact the protein. However, this information is not predictive enough to assume pathogenicity. Karchin et al 2008 has concluded the variant as predicted neutral using protein likelihood ratios to determine all variants of undetermined significance in the C-terminal binding domain of the BRCA2 protein. However, the variant was predicted to result in an increased exonic splice enhancer (ESE) motif score at an evolutionarily conserved ESE (Pettigrew 2008) and therefore the variant was concluded to be deleterious. In a multigene panel study of breast cancer predisposition in Asians, the authors categorized the p.Gly2508Ser variant as pathogenic using Manchester and Boadicea scores. Family history was evaluated in this multigene study (Wong 2016). In summary, based on the above information, the clinical significance of this variant cannot be determined with certainty at this time. This variant is classified as a variant of uncertain significance.

Laboratory of Molecular Epidemiology of Birth Defects, West China Second University Hospital, Sichuan University
Classification: Likely pathogenic for Ovarian cancer. Last evaluated: 2022-01-01. Review status: flagged submission. Criteria: ACMG Guidelines, 2015. Collection method: clinical testing. Allele origin: germline. Affected: yes. Not counted in ClinVar's aggregate classification.
ClinVar note: Reason: Outlier claim with insufficient supporting evidence

Literature cited by the submitters: PubMed 24470074 (cited by 5 submitters); PubMed 28283652 (cited by 6 submitters); PubMed 28419251 (cited by 6 submitters); PubMed 29988080 (cited by 5 submitters); PubMed 32444794 (cited by 5 submitters); PubMed 33609447 (cited by Mayo Clinic Laboratories, Mayo Clinic); PubMed 14973102 (cited by 4 submitters); PubMed 18779604 (cited by 3 submitters); PubMed 19043619 (cited by 3 submitters); PubMed 26757417 (cited by 3 submitters); PubMed 27658390 (cited by 5 submitters); PubMed 27701467 (cited by 4 submitters); PubMed 27907908 (cited by Ambry Genetics and Women's Health and Genetics/Laboratory Corporation of America, LabCorp); PubMed 28111427 (cited by 3 submitters); PubMed 28993434 (cited by 3 submitters); PubMed 29240602 (cited by Ambry Genetics and Quest Diagnostics Nichols Institute San Juan Capistrano); PubMed 29681614 (cited by 3 submitters); PubMed 29752822 (cited by Ambry Genetics and Quest Diagnostics Nichols Institute San Juan Capistrano); PubMed 30415210 (cited by 4 submitters); PubMed 32879886 (cited by Ambry Genetics); PubMed 35534218 (cited by Ambry Genetics); PubMed 35918668 (cited by Ambry Genetics); PubMed 38417439 (cited by Ambry Genetics); PubMed 2472832 (cited by Institute for Genomic Medicine (IGM) Clinical Laboratory, Nationwide Children's Hospital); PubMed 30287823 (cited by 3 submitters); PubMed 31825140 (cited by Quest Diagnostics Nichols Institute San Juan Capistrano and Women's Health and Genetics/Laboratory Corporation of America, LabCorp); PubMed 33471991 (cited by Quest Diagnostics Nichols Institute San Juan Capistrano and Sema4); PubMed 33428613 (cited by Quest Diagnostics Nichols Institute San Juan Capistrano); PubMed 26530882 (cited by Quest Diagnostics Nichols Institute San Juan Capistrano and Women's Health and Genetics/Laboratory Corporation of America, LabCorp); PubMed 19499246 (cited by 3 submitters); PubMed 24728327 (cited by 3 submitters); PubMed 25782689 (cited by Quest Diagnostics Nichols Institute San Juan Capistrano and Women's Health and Genetics/Laboratory Corporation of America, LabCorp); PubMed 22126563 (cited by 3 submitters); PubMed 28277317 (cited by Quest Diagnostics Nichols Institute San Juan Capistrano); PubMed 29192238 (cited by Quest Diagnostics Nichols Institute San Juan Capistrano); PubMed 30702160 (cited by Quest Diagnostics Nichols Institute San Juan Capistrano and Women's Health and Genetics/Laboratory Corporation of America, LabCorp); PubMed 29394989 (cited by 3 submitters); PubMed 21218378 (cited by Quest Diagnostics Nichols Institute San Juan Capistrano and Women's Health and Genetics/Laboratory Corporation of America, LabCorp); PubMed 17899372 (cited by Quest Diagnostics Nichols Institute San Juan Capistrano and Women's Health and Genetics/Laboratory Corporation of America, LabCorp); PubMed 33563768 (cited by Quest Diagnostics Nichols Institute San Juan Capistrano); PubMed 32467295 (cited by Quest Diagnostics Nichols Institute San Juan Capistrano); PubMed 25980754 (cited by Women's Health and Genetics/Laboratory Corporation of America, LabCorp); PubMed 26221963 (cited by Women's Health and Genetics/Laboratory Corporation of America, LabCorp and Sema4); PubMed 27157322 (cited by Women's Health and Genetics/Laboratory Corporation of America, LabCorp and Sema4); PubMed 27257965 (cited by Women's Health and Genetics/Laboratory Corporation of America, LabCorp and Laboratory of Molecular Diagnosis of Cancer, West China Hospital, Sichuan University); PubMed 26402875 (cited by Women's Health and Genetics/Laboratory Corporation of America, LabCorp and Sema4); PubMed 28351343 (cited by Women's Health and Genetics/Laboratory Corporation of America, LabCorp).